The following is an entry in ClinVar:

ClinVar aggregate classification (germline): Likely pathogenic. Review status: criteria provided, multiple submitters, no conflicts (2 of 4 stars). 2 submissions from 2 submitters: Likely pathogenic (2). Last evaluated 2025-02-13.

Conditions:
Leber congenital amaurosis (LCA). Also called: Leber's amaurosis. Identifiers: Orphanet 65, MedGen C0339527, MeSH D057130, MONDO:0018998.
Leber congenital amaurosis 10 (LCA10). Identifiers: Orphanet 65, MedGen C1857821, MONDO:0012723, OMIM 611755.

Submissions (2):

3billion
Classification: Likely pathogenic for Leber congenital amaurosis 10. Last evaluated: 2025-02-13. Review status: criteria provided, single submitter. Criteria: ACMG Guidelines, 2015. Collection method: clinical testing. Allele origin: germline. Affected: yes.
Comment: The variant is observed at an extremely low frequency in the gnomAD v4.1.0 dataset (total allele frequency: <0.001%). Predicted Consequence/Location: Frameshift: predicted to result in a loss or disruption of normal protein function through nonsense-mediated decay (NMD) or protein truncation. Multiple pathogenic variants are reported downstream of the variant. Therefore, this variant is classified as Likely pathogenic according to the recommendation of ACMG/AMP guideline.

Natera, Inc.
Classification: Likely pathogenic for Leber congenital amaurosis. Last evaluated: 2024-10-17. Review status: criteria provided, single submitter. Criteria: Natera Variant Classification Schema (03/2026). Collection method: clinical testing. Allele origin: germline.
Comment: The c.225del variant in CEP290 is a frameshift variant predicted to shift the reading frame beginning at codon 76 and leads to a stop codon 12 codons downstream. This variant is expected to result in nonsense mediated decay, truncation, or a dysfunctional protein product. This variant is rare in the general population with a frequency below the threshold expected for the associated phenotype(s). Given the available evidence, this variant is classified as Likely Pathogenic.

NM_025114.4(CEP290):c.225del (p.Ala76fs)

Gene: CEP290 (centrosomal protein 290; minus strand). Cytogenetic location: 12q21.32.
Variant type: Deletion.
Coding change: c.225del on transcript NM_025114.4 (MANE Select); coding-DNA position 225, one base deleted (A; older notation c.225delA).
Protein change: p.Ala76fs; shifts the reading frame from alanine 76.
Molecular consequence: frameshift variant.
Genome position (GRCh38, 1-based): chr12:88,139,520, T deleted on the plus strand (A on the coding strand, the reverse complement: CEP290 is on the minus strand); the first of 5 consecutive T bases (chr12:88,139,520-88,139,524); deleting any one gives the same sequence. VCF-style (leftmost placement, unchanged base first): chr12-88139519-CT-C. GRCh37 (hg19) VCF-style: chr12-88533296-CT-C.
Other names: c.225del (NM_025114.3); short protein forms A76fs.
Identifiers: ClinVar variation 4292407 (VCV004292407.2).
Genomic context (GRCh38, chr12:88,139,519, plus strand): 5'-TTTAATACCATAATAAACTTTTTCCAAGGTGCTTACCAAATTTTGCTTGTTCTTCTCCAG[CT>C]TTTTCTACTTCTTCCAAAGCCAGCTCCACTTCTTGAGCTTTCATCTAAACATTAAAAAAA-3'